The following is an entry in ClinVar:

ClinVar aggregate classification (germline): Likely benign (1 of 4 stars; one submission).

Submission:

CeGaT Center for Human Genetics Tuebingen
Classification: Likely benign. Last evaluated: 2022-07-01. Review status: criteria provided, single submitter. Criteria: CeGaT Center For Human Genetics Tuebingen Variant Classification Criteria Version 2. Collection method: clinical testing. Allele origin: germline. Affected: yes. Observed: 1 variant allele.
Comment: PLPPR4: PM2:Supporting, BP4, BP7

NM_014839.5(PLPPR4):c.1959C>A (p.Thr653=)

Gene: PLPPR4 (phospholipid phosphatase related 4; plus strand). Cytogenetic location: 1p21.2.
Variant type: single nucleotide variant.
Coding change: c.1959C>A on transcript NM_014839.5 (MANE Select); coding-DNA position 1959, C replaced by A.
Protein change: p.Thr653=; no amino-acid change (threonine 653 retained).
Molecular consequence: synonymous variant.
Genome position (GRCh38, 1-based): chr1:99,306,821, C>A. VCF-style: chr1-99306821-C-A. GRCh37 (hg19) VCF-style: chr1-99772377-C-A.
Other names: c.1785C>A, p.Thr595= (NM_001166252.2).
Identifiers: ClinVar variation 2638938 (VCV002638938.24), dbSNP rs2524486057, ClinGen allele CA419316574.
Genomic context (GRCh38, chr1:99,306,821, plus strand): 5'-TTCTGGAGATCGCAAGAGAAGCAACATTGATAGCAATGAGCATCACCACCACGGAATTAC[C>A]ACCATCCGCGTCACCCCAGTAGAGGGCAGCGAAATTGGCTCAGAGACGCTGTCCATTTCT-3'
Protein context (NP_055654.3, residues 643-663): DSNEHHHHGI[Thr653=]TIRVTPVEGS